The following is an entry in ClinVar:

ClinVar aggregate classification (germline): Uncertain significance. Review status: criteria provided, multiple submitters, no conflicts (2 of 4 stars). 2 submissions from 2 submitters: Uncertain significance (2). Last evaluated 2025-10-14.

Conditions:
Inborn genetic diseases. Identifiers: MedGen C0950123, MeSH D030342.
3-methylglutaconic aciduria, type VIIB (MGCA7B). Also called: 3-methylglutaconic aciduria with cataracts, neurologic involvement and neutropenia; CLPB Deficiency; 3-methylglutaconic aciduria, type VII, with cataracts, neurologic involvement and neutropenia. Identifiers: Orphanet 445038, MedGen C5676893, MONDO:0014561, OMIM 616271.

Allele frequency attached by ClinVar (database versions not stated): ExAC 0.00001; gnomAD exomes 0.00001; TOPMed 0.00001.
gnomAD v4.1: 10 of 1,614,136 alleles (0.00062%); highest among the groups gnomAD compares: South Asian, 0.0022%; no homozygotes.

Submissions (2):

Labcorp Genetics (formerly Invitae), Labcorp
Classification: Uncertain significance for 3-methylglutaconic aciduria, type VIIB. Last evaluated: 2025-10-14. Review status: criteria provided, single submitter. Criteria: Invitae Variant Classification Sherloc (09022015). Collection method: clinical testing. Allele origin: germline.
Comment: This sequence change replaces arginine, which is basic and polar, with cysteine, which is neutral and slightly polar, at codon 679 of the CLPB protein (p.Arg679Cys). This variant is present in population databases (rs749731250, gnomAD 0.003%). This variant has not been reported in the literature in individuals affected with CLPB-related conditions. ClinVar contains an entry for this variant (Variation ID: 2147003). An algorithm developed to predict the effect of missense changes on protein structure and function (PolyPhen-2) suggests that this variant is likely to be disruptive. In summary, the available evidence is currently insufficient to determine the role of this variant in disease. Therefore, it has been classified as a Variant of Uncertain Significance.

Ambry Genetics
Classification: Uncertain significance for Inborn genetic diseases. Last evaluated: 2021-10-27. Review status: criteria provided, single submitter. Criteria: Ambry Variant Classification Scheme 2023. Collection method: clinical testing. Allele origin: germline.

NM_001258392.3(CLPB):c.1945C>T (p.Arg649Cys)

Gene: CLPB (ClpB family mitochondrial disaggregase; minus strand). Cytogenetic location: 11q13.4.
Variant type: single nucleotide variant.
Coding change: c.1945C>T on transcript NM_001258392.3 (MANE Select); coding-DNA position 1945, C replaced by T.
Protein change: p.Arg649Cys; replaces arginine 649 with cysteine.
Molecular consequence: missense variant.
Genome position (GRCh38, 1-based): chr11:72,293,456, G>A on the plus strand (C>T on the coding strand, the complement: CLPB is on the minus strand). VCF-style: chr11-72293456-G-A. GRCh37 (hg19) VCF-style: chr11-72004500-G-A.
Other names: c.1858C>T, p.Arg620Cys (NM_001258393.3); c.1900C>T, p.Arg634Cys (NM_001258394.3); c.2035C>T, p.Arg679Cys (NM_030813.6); c.2035C>T (NM_030813.3); short protein forms R620C, R679C, R634C, R649C.
Identifiers: ClinVar variation 2147003 (VCV002147003.5), dbSNP rs749731250, ClinGen allele CA6170986.